The following is an entry in ClinVar:

NM_007294.4(BRCA1):c.3005A>G (p.Asn1002Ser)

Gene: BRCA1 (BRCA1 DNA repair associated; minus strand). Cytogenetic location: 17q21.31.
Variant type: single nucleotide variant.
Coding change: c.3005A>G on transcript NM_007294.4 (MANE Select); coding-DNA position 3005, A replaced by G.
Protein change: p.Asn1002Ser; replaces asparagine 1002 with serine.
Molecular consequence: missense variant. On other transcripts: intron variant (137).
Genome position (GRCh38, 1-based): chr17:43,092,526, T>C on the plus strand (A>G on the coding strand, the complement: BRCA1 is on the minus strand). VCF-style: chr17-43092526-T-C. GRCh37 (hg19) VCF-style: chr17-41244543-T-C.
Other names: c.524-1494A>G (NM_001408498.1, NM_001408501.1, NM_001408500.1 and 3 more transcripts); c.647-1494A>G (NM_001408467.1, NM_001408459.1, NM_001408455.1 and 11 more transcripts); c.584-1494A>G (NM_001408475.1); c.710-1494A>G (NM_001408412.1, NM_001408409.1, NM_001408414.1 and 2 more transcripts); c.452-1494A>G (NM_001408509.1, NM_001408508.1); c.575-1494A>G (NM_001408491.1, NM_001408493.1, NM_001408490.1); c.461-1494A>G (NM_001408506.1, NM_001408507.1); c.578-1494A>G (NM_001408481.1, NM_001408480.1, NM_001408492.1 and 9 more transcripts); and 41 more; short protein forms N1001S, N1002S, N706S, N834S, N874S, N875S, N890S, N891S.
Identifiers: ClinVar variation 3069955 (VCV003069955.2), dbSNP rs1555588553, ClinGen allele CA10595988.

ClinVar aggregate classification (germline): Uncertain significance. Review status: criteria provided, multiple submitters, no conflicts (2 of 4 stars). 2 submissions from 2 submitters: Uncertain significance (2). Last evaluated 2025-09-18.

Conditions:
Hereditary cancer-predisposing syndrome. Also called: Tumor predisposition; Neoplastic Syndromes, Hereditary; Hereditary Cancer Syndrome; Hereditary neoplastic syndrome. Identifiers: Orphanet 140162, MedGen C0027672, MeSH D009386, MONDO:0015356.
Breast-ovarian cancer, familial, susceptibility to, 1 (BROVCA1). Also called: BRCA1 Hereditary Breast and Ovarian Cancer; OVARIAN CANCER, SUSCEPTIBILITY TO. Identifiers: Orphanet 145, MedGen C2676676, MONDO:0011450, OMIM 604370. Disease mechanism: loss of function.

Submissions (2):

Ambry Genetics
Classification: Uncertain significance for Hereditary cancer-predisposing syndrome. Last evaluated: 2025-09-18. Review status: criteria provided, single submitter. Criteria: Ambry Variant Classification Scheme 2023. Collection method: clinical testing. Allele origin: germline.
Comment: The p.N1002S variant (also known as c.3005A>G), located in coding exon 9 of the BRCA1 gene, results from an A to G substitution at nucleotide position 3005. The asparagine at codon 1002 is replaced by serine, an amino acid with highly similar properties. This amino acid position is conserved. In addition, this alteration is predicted to be tolerated by in silico analysis. Based on the available evidence, the clinical significance of this variant remains unclear.

All of Us Research Program, National Institutes of Health
Classification: Uncertain significance for Breast-ovarian cancer, familial, susceptibility to, 1. Last evaluated: 2023-03-28. Review status: criteria provided, single submitter. Criteria: ACMG Guidelines, 2015. Collection method: clinical testing. Allele origin: germline. Inheritance: Autosomal dominant inheritance. Observed: 1 variant allele, 1 heterozygote.
Comment: This study involves interpretation of variants in research participants for the purpose of population health screening. Participant phenotype was not available at the time of variant classification. Additional details can be found in publication PMID: 35346344, PMCID: PMC8962531